The following is an entry in ClinVar:

NM_017868.4(TTC12):c.1681G>A (p.Ala561Thr)

Gene: TTC12 (tetratricopeptide repeat domain 12; plus strand). Cytogenetic location: 11q23.2.
Variant type: single nucleotide variant.
Coding change: c.1681G>A on transcript NM_017868.4 (MANE Select); coding-DNA position 1681, G replaced by A.
Protein change: p.Ala561Thr; replaces alanine 561 with threonine.
Molecular consequence: missense variant. On other transcripts: non-coding transcript variant (3).
Genome position (GRCh38, 1-based): chr11:113,362,467, G>A. VCF-style: chr11-113362467-G-A. GRCh37 (hg19) VCF-style: chr11-113233189-G-A.
Other names: c.1684G>A, p.Ala562Thr (NM_001378063.1); c.1681G>A, p.Ala561Thr (NM_001378064.1, NM_001378065.1); c.1699G>A, p.Ala567Thr (NM_001318533.2); c.1606G>A, p.Ala536Thr (NM_001352037.2); c.1699G>A (NM_001318533.1); short protein forms A562T, A536T, A561T, A567T.
Identifiers: ClinVar variation 3184060 (VCV003184060.3), dbSNP rs138468450, ClinGen allele CA6280255.

ClinVar aggregate classification (germline): Uncertain significance. Review status: criteria provided, multiple submitters, no conflicts (2 of 4 stars). 2 submissions from 2 submitters: Uncertain significance (2). Last evaluated 2025-10-09.

Conditions:
TTC12-related disorder. Also called: TTC12-related condition.
Inborn genetic diseases. Identifiers: MedGen C0950123, MeSH D030342.

Allele frequency attached by ClinVar (database versions not stated): ExAC 0.00012; ESP Exome Variant Server 0.00015; 1000 Genomes Project 30x 0.00016; gnomAD exomes 0.00019; 1000 Genomes Project 0.00020; gnomAD 0.00020; TOPMed 0.00039.
gnomAD v4.1: 303 of 1,613,862 alleles (0.019%); highest among the groups gnomAD compares: Admixed American, 0.053%; no homozygotes.

Submissions (2):

PreventionGenetics, part of Exact Sciences
Classification: Uncertain significance for TTC12-related condition. Last evaluated: 2025-10-09. Review status: criteria provided, single submitter. Criteria: ACMG Guidelines, 2015. Collection method: clinical testing. Allele origin: germline.
Comment: The TTC12 c.1699G>A variant is predicted to result in the amino acid substitution p.Ala567Thr. To our knowledge, this variant has not been reported in the literature. This variant is reported in 0.012% of alleles in individuals of European (Non-Finnish) descent in gnomAD. At this time, the clinical significance of this variant is uncertain due to the absence of conclusive functional and genetic evidence.

Ambry Genetics
Classification: Uncertain significance for Inborn genetic diseases. Last evaluated: 2024-10-19. Review status: criteria provided, single submitter. Criteria: Ambry Variant Classification Scheme 2023. Collection method: clinical testing. Allele origin: germline.